The following is an entry in ClinVar:

NM_031935.3(HMCN1):c.16195T>G (p.Ser5399Ala)

Gene: HMCN1 (hemicentin 1; plus strand). Cytogenetic location: 1q31.1.
Variant type: single nucleotide variant.
Coding change: c.16195T>G on transcript NM_031935.3 (MANE Select); coding-DNA position 16195, T replaced by G.
Protein change: p.Ser5399Ala; replaces serine 5399 with alanine.
Molecular consequence: missense variant.
Genome position (GRCh38, 1-based): chr1:186,178,667, T>G. VCF-style: chr1-186178667-T-G. GRCh37 (hg19) VCF-style: chr1-186147799-T-G.
Other names: short protein forms S5399A.
Identifiers: ClinVar variation 1966781 (VCV001966781.5), dbSNP rs2528263231, ClinGen allele CA343938840.
Genomic context (GRCh38, chr1:186,178,667, plus strand): 5'-AGAAACAACTATCAACCTCAACAGCATTACAGACAGTACTCACATCTCTACAGCTCCTAC[T>G]CAGAGTATAGAAACAGCAGAACATCTCTCTCCAGGACTAGAAGGACTATTAGGAAAACTT-3'
Protein context (NP_114141.2, residues 5389-5409): RQYSHLYSSY[Ser5399Ala]EYRNSRTSLS

ClinVar aggregate classification (germline): Uncertain significance (1 of 4 stars; one submission).

Submission:

Labcorp Genetics (formerly Invitae), Labcorp
Classification: Uncertain significance. Last evaluated: 2021-12-23. Review status: criteria provided, single submitter. Criteria: Invitae Variant Classification Sherloc (09022015). Collection method: clinical testing. Allele origin: germline.
Comment: In summary, the available evidence is currently insufficient to determine the role of this variant in disease. Therefore, it has been classified as a Variant of Uncertain Significance. Algorithms developed to predict the effect of missense changes on protein structure and function are either unavailable or do not agree on the potential impact of this missense change (SIFT: "Tolerated"; PolyPhen-2: "Possibly Damaging"; Align-GVGD: "Class C0"). This variant has not been reported in the literature in individuals affected with HMCN1-related conditions. This variant is not present in population databases (gnomAD no frequency). This sequence change replaces serine, which is neutral and polar, with alanine, which is neutral and non-polar, at codon 5399 of the HMCN1 protein (p.Ser5399Ala).